The following is an entry in ClinVar:

ClinVar aggregate classification (germline): Uncertain significance. Review status: criteria provided, single submitter (1 of 4 stars). 2 submissions from 2 submitters: Uncertain significance (1). 1 of the submissions does not count toward it. Last evaluated 2023-05-08.

Conditions:
Neuromuscular disease caused by qualitative or quantitative defects of dysferlin. Also called: Qualitative or quantitative defects of dysferlin; Dysferlinopathy. Identifiers: Orphanet 207073, MedGen C2931687, MONDO:0016145.
Autosomal recessive limb-girdle muscular dystrophy type 2B (LGMDR2). Also called: Limb-Girdle Muscular Dystrophy Type 2B (LGMD2B); MUSCULAR DYSTROPHY, LIMB-GIRDLE, TYPE 3; MUSCULAR DYSTROPHY, LIMB-GIRDLE, AUTOSOMAL RECESSIVE 2; Limb-girdle muscular dystrophy, type 2B. Identifiers: Orphanet 268, MedGen C1850889, MONDO:0009676, OMIM 253601.

Allele frequency attached by ClinVar (database versions not stated): ExAC 0.00001; gnomAD exomes 0.00001.
gnomAD v4.1: 16 of 1,614,216 alleles (0.00099%); highest among the groups gnomAD compares: Non-Finnish European, 0.0012%; no homozygotes.

Submissions (2):

Labcorp Genetics (formerly Invitae), Labcorp
Classification: Uncertain significance for Neuromuscular disease caused by qualitative or quantitative defects of dysferlin. Last evaluated: 2023-05-08. Review status: criteria provided, single submitter. Criteria: Invitae Variant Classification Sherloc (09022015). Collection method: clinical testing. Allele origin: germline.
Comment: In summary, the available evidence is currently insufficient to determine the role of this variant in disease. Therefore, it has been classified as a Variant of Uncertain Significance. Advanced modeling of protein sequence and biophysical properties (such as structural, functional, and spatial information, amino acid conservation, physicochemical variation, residue mobility, and thermodynamic stability) performed at Invitae indicates that this missense variant is not expected to disrupt DYSF protein function. ClinVar contains an entry for this variant (Variation ID: 852050). This variant has not been reported in the literature in individuals affected with DYSF-related conditions. This variant is present in population databases (rs756925596, gnomAD 0.004%). This sequence change replaces proline, which is neutral and non-polar, with leucine, which is neutral and non-polar, at codon 190 of the DYSF protein (p.Pro190Leu).

Natera, Inc.
Classification: Uncertain significance for Limb-girdle muscular dystrophy type 2B. Last evaluated: 2020-09-16. Review status: no assertion criteria provided. Collection method: clinical testing. Allele origin: germline. Not counted in ClinVar's aggregate classification.

NM_001130987.2(DYSF):c.665C>T (p.Pro222Leu)

Gene: DYSF (dysferlin; plus strand). Cytogenetic location: 2p13.2.
Variant type: single nucleotide variant.
Coding change: c.665C>T on transcript NM_001130987.2 (MANE Select); coding-DNA position 665, C replaced by T.
Protein change: p.Pro222Leu; replaces proline 222 with leucine.
Molecular consequence: missense variant.
Genome position (GRCh38, 1-based): chr2:71,513,827, C>T. VCF-style: chr2-71513827-C-T. GRCh37 (hg19) VCF-style: chr2-71740957-C-T.
Other names: c.572C>T, p.Pro191Leu (NM_001130455.2, NM_001130983.2, NM_001130984.2 and 1 more transcripts); c.569C>T, p.Pro190Leu (NM_001130976.2, NM_001130977.2, NM_001130978.2 and 1 more transcripts); c.662C>T, p.Pro221Leu (NM_001130979.2, NM_001130980.2, NM_001130981.2); c.665C>T, p.Pro222Leu (NM_001130982.2, NM_001130985.2); short protein forms P190L, P191L, P221L, P222L.
Identifiers: ClinVar variation 852050 (VCV000852050.6), dbSNP rs756925596, ClinGen allele CA1705408.